The following is an entry in ClinVar:

NM_005188.4(CBL):c.167T>C (p.Val56Ala)

Genes: CBL (Cbl proto-oncogene; plus strand), LOC130006895 (ATAC-STARR-seq lymphoblastoid silent region 3975; plus strand). Cytogenetic location: 11q23.3.
Variant type: single nucleotide variant.
Coding change: c.167T>C on transcript NM_005188.4 (MANE Select); coding-DNA position 167, T replaced by C.
Protein change: p.Val56Ala; replaces valine 56 with alanine.
Molecular consequence: missense variant.
Genome position (GRCh38, 1-based): chr11:119,206,584, T>C. VCF-style: chr11-119206584-T-C. GRCh37 (hg19) VCF-style: chr11-119077294-T-C.
Other names: c.167T>C (NM_005188.2); short protein forms V56A.
Identifiers: ClinVar variation 3705605 (VCV003705605.3).
Genomic context (GRCh38, chr11:119,206,584, plus strand): 5'-ACCACCACCACCACCACCACCTCAGCCCCCACCCGCCGGGGACGGTGGACAAGAAGATGG[T>C]GGAGAAGTGCTGGAAGCTCATGGACAAGGTGAAAGGCCGGCTGAGCGCCCGCTGTTGCAG-3'
Protein context (NP_005179.2, residues 46-66): HPPGTVDKKM[Val56Ala]EKCWKLMDKV

ClinVar aggregate classification (germline): Uncertain significance. Review status: criteria provided, multiple submitters, no conflicts (2 of 4 stars). 2 submissions from 2 submitters: Uncertain significance (2). Last evaluated 2025-10-02.

Conditions:
Cardiovascular phenotype. Identifiers: MedGen CN230736.
RASopathy. Also called: rasopathies; Noonan spectrum disorder. Identifiers: Orphanet 536391, MedGen C5555857, MONDO:0021060.

gnomAD v4.1: 8 of 1,547,560 alleles (0.00052%); highest among the groups gnomAD compares: Non-Finnish European, 0.0007%; no homozygotes.

Submissions (2):

Labcorp Genetics (formerly Invitae), Labcorp
Classification: Uncertain significance for RASopathy. Last evaluated: 2025-10-02. Review status: criteria provided, single submitter. Criteria: Invitae Variant Classification Sherloc (09022015). Collection method: clinical testing. Allele origin: germline.
Comment: This sequence change replaces valine, which is neutral and non-polar, with alanine, which is neutral and non-polar, at codon 56 of the CBL protein (p.Val56Ala). This variant is not present in population databases (gnomAD no frequency). This variant has not been reported in the literature in individuals affected with CBL-related conditions. ClinVar contains an entry for this variant (Variation ID: 3705605). Invitae Evidence Modeling of protein sequence and biophysical properties (such as structural, functional, and spatial information, amino acid conservation, physicochemical variation, residue mobility, and thermodynamic stability) has been performed for this missense variant. However, the output from this modeling did not meet the statistical confidence thresholds required to predict the impact of this variant on CBL protein function. In summary, the available evidence is currently insufficient to determine the role of this variant in disease. Therefore, it has been classified as a Variant of Uncertain Significance.

Ambry Genetics
Classification: Uncertain significance for Cardiovascular phenotype. Last evaluated: 2024-12-12. Review status: criteria provided, single submitter. Criteria: Ambry Variant Classification Scheme 2023. Collection method: clinical testing. Allele origin: germline.
Comment: The p.V56A variant (also known as c.167T>C), located in coding exon 1 of the CBL gene, results from a T to C substitution at nucleotide position 167. The valine at codon 56 is replaced by alanine, an amino acid with similar properties. This amino acid position is conserved. In addition, the in silico prediction for this alteration is inconclusive. Based on the available evidence, the clinical significance of this variant remains unclear.